The following is an entry in ClinVar:

ClinVar aggregate classification (germline): Uncertain significance (1 of 4 stars; one submission).

Submission:

Labcorp Genetics (formerly Invitae), Labcorp
Classification: Uncertain significance. Last evaluated: 2022-08-22. Review status: criteria provided, single submitter. Criteria: Invitae Variant Classification Sherloc (09022015). Collection method: clinical testing. Allele origin: germline.
Comment: This sequence change replaces glutamine, which is neutral and polar, with arginine, which is basic and polar, at codon 449 of the LETM1 protein (p.Gln449Arg). This variant is not present in population databases (gnomAD no frequency). This variant has not been reported in the literature in individuals affected with LETM1-related conditions. Algorithms developed to predict the effect of missense changes on protein structure and function (SIFT, PolyPhen-2, Align-GVGD) all suggest that this variant is likely to be tolerated. In summary, the available evidence is currently insufficient to determine the role of this variant in disease. Therefore, it has been classified as a Variant of Uncertain Significance.

NM_012318.3(LETM1):c.1346A>G (p.Gln449Arg)

Gene: LETM1 (leucine zipper and EF-hand containing transmembrane protein 1; minus strand). Cytogenetic location: 4p16.3.
Variant type: single nucleotide variant.
Coding change: c.1346A>G on transcript NM_012318.3 (MANE Select); coding-DNA position 1346, A replaced by G.
Protein change: p.Gln449Arg; replaces glutamine 449 with arginine.
Molecular consequence: missense variant.
Genome position (GRCh38, 1-based): chr4:1,823,118, T>C on the plus strand (A>G on the coding strand, the complement: LETM1 is on the minus strand). VCF-style: chr4-1823118-T-C. GRCh37 (hg19) VCF-style: chr4-1824845-T-C.
Other names: short protein forms Q449R.
Identifiers: ClinVar variation 2132051 (VCV002132051.4), dbSNP rs2546861231, ClinGen allele CA355998798.